The following is an entry in ClinVar:

ClinVar aggregate classification (germline): Uncertain significance. Review status: criteria provided, multiple submitters, no conflicts (2 of 4 stars). 2 submissions from 2 submitters: Uncertain significance (2). Last evaluated 2024-05-29.

Conditions:
Inborn genetic diseases. Identifiers: MedGen C0950123, MeSH D030342.

Allele frequency attached by ClinVar (database versions not stated): gnomAD exomes below 0.00001.
gnomAD v4.1: 3 of 1,537,648 alleles (0.0002%); highest among the groups gnomAD compares: Non-Finnish European, 0.00026%; no homozygotes.

Submissions (2):

Labcorp Genetics (formerly Invitae), Labcorp
Classification: Uncertain significance. Last evaluated: 2024-05-29. Review status: criteria provided, single submitter. Criteria: Invitae Variant Classification Sherloc (09022015). Collection method: clinical testing. Allele origin: germline.
Comment: This sequence change replaces lysine, which is basic and polar, with arginine, which is basic and polar, at codon 866 of the FOCAD protein (p.Lys866Arg). The frequency data for this variant in the population databases is considered unreliable, as metrics indicate poor data quality at this position in the gnomAD database. This variant has not been reported in the literature in individuals affected with FOCAD-related conditions. ClinVar contains an entry for this variant (Variation ID: 2624029). Experimental studies and prediction algorithms are not available or were not evaluated, and the functional significance of this variant is currently unknown. In summary, the available evidence is currently insufficient to determine the role of this variant in disease. Therefore, it has been classified as a Variant of Uncertain Significance.

Ambry Genetics
Classification: Uncertain significance for Inborn genetic diseases. Last evaluated: 2023-09-14. Review status: criteria provided, single submitter. Criteria: Ambry Variant Classification Scheme 2023. Collection method: clinical testing. Allele origin: germline.

NM_001375567.1(FOCAD):c.2597A>G (p.Lys866Arg)

Gene: FOCAD (focadhesin; plus strand). Cytogenetic location: 9p21.3.
Variant type: single nucleotide variant.
Coding change: c.2597A>G on transcript NM_001375567.1 (MANE Select); coding-DNA position 2597, A replaced by G.
Protein change: p.Lys866Arg; replaces lysine 866 with arginine.
Molecular consequence: missense variant.
Genome position (GRCh38, 1-based): chr9:20,885,202, A>G. VCF-style: chr9-20885202-A-G. GRCh37 (hg19) VCF-style: chr9-20885201-A-G.
Other names: c.2492A>G, p.Lys831Arg (NM_001375568.1, NM_001375570.1); c.2597A>G, p.Lys866Arg (NM_017794.5); short protein forms K831R, K866R.
Identifiers: ClinVar variation 2624029 (VCV002624029.4), dbSNP rs199505982, ClinGen allele CA5007170.
Genomic context (GRCh38, chr9:20,885,202, plus strand): 5'-ATCAGAGTAAAGATGGAAAACCATTGAACAGACTGATGGCCAGCAGAGGGCGAAGTTTCA[A>G]GCAGACTTCACTTGCTCTTGTACATGAGGTAGGTTCCCGTGTCCTCTTCTTTATGTTTTA-3'
Protein context (NP_001362496.1, residues 856-876): RLMASRGRSF[Lys866Arg]QTSLALVHEV